The following is an entry in ClinVar:

ClinVar aggregate classification (germline): Benign/Likely benign. Review status: criteria provided, multiple submitters, no conflicts (2 of 4 stars). 4 submissions from 4 submitters: Benign (1); Likely benign (3). Last evaluated 2026-01-12.

Conditions:
Hereditary spastic paraplegia 39 (SPG39). Also called: Spastic Paraplegia Type 39 (SPG39); SPASTIC PARAPLEGIA 39, AUTOSOMAL RECESSIVE. Identifiers: Orphanet 139480, MedGen C2677586, MONDO:0012787, OMIM 612020.

Allele frequency attached by ClinVar (database versions not stated): gnomAD 0.00019; 1000 Genomes Project 0.00020; 1000 Genomes Project 30x 0.00031; TOPMed 0.00048; gnomAD exomes 0.00091; ExAC 0.00108.

Submissions (4):

Labcorp Genetics (formerly Invitae), Labcorp
Classification: Benign for Hereditary spastic paraplegia 39. Last evaluated: 2026-01-12. Review status: criteria provided, single submitter. Criteria: Invitae Variant Classification Sherloc (09022015). Collection method: clinical testing. Allele origin: germline.

Mayo Clinic Laboratories, Mayo Clinic
Classification: Likely benign. Last evaluated: 2025-06-03. Review status: criteria provided, single submitter. Criteria: ACMG Guidelines, 2015. Collection method: clinical testing. Allele origin: germline. Observed: 1 variant allele.
Comment: BS1, BP4, BP7

Blueprint Genetics
Classification: Likely benign. Last evaluated: 2023-02-02. Review status: criteria provided, single submitter. Criteria: ACMG Guidelines, 2015. Collection method: clinical testing. Allele origin: germline.

GeneDx
Classification: Likely benign. Last evaluated: 2016-05-11. Review status: criteria provided, single submitter. Criteria: GeneDx Variant Classification (06012015). Collection method: clinical testing. Allele origin: germline. Affected: yes.
Comment: This variant is considered likely benign or benign based on one or more of the following criteria: it is a conservative change, it occurs at a poorly conserved position in the protein, it is predicted to be benign by multiple in silico algorithms, and/or has population frequency not consistent with disease.

NM_001166114.2(PNPLA6):c.2818-4C>T

Gene: PNPLA6 (patatin like domain 6, lysophospholipase; plus strand). Cytogenetic location: 19p13.2.
Variant type: single nucleotide variant.
Coding change: c.2818-4C>T on transcript NM_001166114.2 (MANE Select); 4 bases into the intron before coding-DNA position 2818, C replaced by T.
Molecular consequence: intron variant.
Genome position (GRCh38, 1-based): chr19:7,555,245, C>T. VCF-style: chr19-7555245-C-T. GRCh37 (hg19) VCF-style: chr19-7620131-C-T.
Other names: p.?; c.2704-4C>T (NM_006702.5, NM_001166113.1); c.2623-4C>T (NM_001166112.2); c.2848-4C>T (NM_001166111.2).
Identifiers: ClinVar variation 385992 (VCV000385992.14), dbSNP rs533705093, ClinGen allele CA9140244.